The following is an entry in ClinVar:

ClinVar aggregate classification (germline): Uncertain significance (1 of 4 stars; one submission).

Conditions:
KMT2D-related disorder. Also called: KMT2D-Related Disorders.

Allele frequency attached by ClinVar (database versions not stated): gnomAD exomes below 0.00001; TOPMed below 0.00001; ExAC 0.00001; gnomAD 0.00001.
gnomAD v4.1: 3 of 1,611,948 alleles (0.00019%); highest among the groups gnomAD compares: African/African-American, 0.0027%; no homozygotes.

Submission:

PreventionGenetics, part of Exact Sciences
Classification: Uncertain significance for KMT2D-related condition. Last evaluated: 2023-09-20. Review status: criteria provided, single submitter. Criteria: ACMG Guidelines, 2015. Collection method: clinical testing. Allele origin: germline.
Comment: The KMT2D c.3322C>T variant is predicted to result in the amino acid substitution p.Pro1108Ser. To our knowledge, this variant has not been reported in the literature. This variant is reported in 0.014% of alleles in individuals of African descent in gnomAD. At this time, the clinical significance of this variant is uncertain due to the absence of conclusive functional and genetic evidence.

NM_003482.4(KMT2D):c.3322C>T (p.Pro1108Ser)

Gene: KMT2D (lysine methyltransferase 2D; minus strand). Cytogenetic location: 12q13.12.
Variant type: single nucleotide variant.
Coding change: c.3322C>T on transcript NM_003482.4 (MANE Select); coding-DNA position 3322, C replaced by T.
Protein change: p.Pro1108Ser; replaces proline 1108 with serine.
Molecular consequence: missense variant.
Genome position (GRCh38, 1-based): chr12:49,050,266, G>A on the plus strand (C>T on the coding strand, the complement: KMT2D is on the minus strand). VCF-style: chr12-49050266-G-A. GRCh37 (hg19) VCF-style: chr12-49444049-G-A.
Other names: short protein forms P1108S.
Identifiers: ClinVar variation 2629546 (VCV002629546.1), dbSNP rs758024031, ClinGen allele CA6548075.